The following is an entry in ClinVar:

ClinVar aggregate classification (germline): Uncertain significance (1 of 4 stars; one submission).

Conditions:
Symmetrical dyschromatosis of extremities (DSH). Also called: DYSCHROMATOSIS SYMMETRICA HEREDITARIA 1; RETICULATE ACROPIGMENTATION OF DOHI; SYMMETRIC DYSCHROMATOSIS OF THE EXTREMITIES; Dyschromatosis symmetrica hereditaria. Identifiers: Orphanet 41, MedGen C0406775, MONDO:0007483, OMIM 127400.

Allele frequency attached by ClinVar (database versions not stated): gnomAD exomes below 0.00001; TOPMed 0.00001.
gnomAD v4.1: 2 of 1,614,122 alleles (0.00012%); highest among the groups gnomAD compares: Non-Finnish European, 0.00017%; no homozygotes.

Submission:

Illumina Laboratory Services, Illumina
Classification: Uncertain significance for Symmetrical dyschromatosis of extremities. Last evaluated: 2017-04-28. Review status: criteria provided, single submitter. Criteria: ICSL Variant Classification Criteria 13 December 2019. Collection method: clinical testing. Allele origin: germline.
Comment: This variant was observed as part of a predisposition screen in an ostensibly healthy population. A literature search was performed for the gene, cDNA change, and amino acid change (where applicable). Publications were found based on this search. However, the evidence from the literature, in combination with allele frequency data from public databases where available, was not sufficient to rule this variant in or out of causing disease. Therefore, this variant is classified as a variant of unknown significance.

Literature cited by the submitters: PubMed 21211811; PubMed 21924887; PubMed 8627722; PubMed 21182352.

NM_001111.5(ADAR):c.2330A>G (p.Lys777Arg)

Gene: ADAR (adenosine deaminase RNA specific; minus strand). Cytogenetic location: 1q21.3.
Variant type: single nucleotide variant.
Coding change: c.2330A>G on transcript NM_001111.5 (MANE Select); coding-DNA position 2330, A replaced by G.
Protein change: p.Lys777Arg; replaces lysine 777 with arginine.
Molecular consequence: missense variant.
Genome position (GRCh38, 1-based): chr1:154,590,350, T>C on the plus strand (A>G on the coding strand, the complement: ADAR is on the minus strand). VCF-style: chr1-154590350-T-C. GRCh37 (hg19) VCF-style: chr1-154562826-T-C.
Other names: c.1445A>G, p.Lys482Arg (NM_001025107.3, NM_001193495.2, NM_001365046.1 and 3 more transcripts); c.2357A>G, p.Lys786Arg (NM_001365045.1); c.2330A>G, p.Lys777Arg (NM_015840.4); c.2273A>G, p.Lys758Arg (NM_015841.4); short protein forms K758R, K482R, K777R, K786R.
Identifiers: ClinVar variation 875381 (VCV000875381.4), dbSNP rs1197574959, ClinGen allele CA342637490.